The following is an entry in ClinVar:

ClinVar aggregate classification (germline): Benign (1 of 4 stars; one submission).

Allele frequency attached by ClinVar (database versions not stated): 1000 Genomes Project 0.00040; 1000 Genomes Project 30x 0.00047; ESP Exome Variant Server 0.00062.
gnomAD v4.1: 226 of 1,613,694 alleles (0.014%); highest among the groups gnomAD compares: African/African-American, 0.19%; no homozygotes.

Submission:

CeGaT Center for Human Genetics Tuebingen
Classification: Benign. Last evaluated: 2022-07-01. Review status: criteria provided, single submitter. Criteria: CeGaT Center For Human Genetics Tuebingen Variant Classification Criteria Version 2. Collection method: clinical testing. Allele origin: germline. Affected: yes. Observed: 1 variant allele.
Comment: ZNF462: BS1, BS2

NM_021224.6(ZNF462):c.6832+35G>A

Gene: ZNF462 (zinc finger protein 462; plus strand). Cytogenetic location: 9q31.2.
Variant type: single nucleotide variant.
Coding change: c.6832+35G>A on transcript NM_021224.6 (MANE Select); 35 bases into the intron after coding-DNA position 6832, G replaced by A.
Molecular consequence: intron variant.
Genome position (GRCh38, 1-based): chr9:106,974,308, G>A. VCF-style: chr9-106974308-G-A. GRCh37 (hg19) VCF-style: chr9-109736589-G-A.
Other names: c.4237+35G>A (NM_001347997.2).
Identifiers: ClinVar variation 2659402 (VCV002659402.24), dbSNP rs369064213, ClinGen allele CA5172335.